The following is an entry in ClinVar:

NM_004946.3(DOCK2):c.4378G>T (p.Ala1460Ser)

Gene: DOCK2 (dedicator of cytokinesis 2; plus strand). Cytogenetic location: 5q35.1.
Variant type: single nucleotide variant.
Coding change: c.4378G>T on transcript NM_004946.3 (MANE Select); coding-DNA position 4378, G replaced by T.
Protein change: p.Ala1460Ser; replaces alanine 1460 with serine.
Molecular consequence: missense variant. On other transcripts: non-coding transcript variant (1).
Genome position (GRCh38, 1-based): chr5:170,056,766, G>T. VCF-style: chr5-170056766-G-T. GRCh37 (hg19) VCF-style: chr5-169483770-G-T.
Other names: short protein forms A1460S.
Identifiers: ClinVar variation 840147 (VCV000840147.10), dbSNP rs1554128971, ClinGen allele CA362110775.

ClinVar aggregate classification (germline): Uncertain significance (1 of 4 stars; one submission).

Conditions:
DOCK2 deficiency. Also called: Immunodeficiency 40. Identifiers: Orphanet 447737, MedGen C4225328, MONDO:0014637, OMIM 616433.

Allele frequency attached by ClinVar (database versions not stated): gnomAD exomes below 0.00001.
gnomAD v4.1: 1 of 1,613,470 alleles (0.000062%); highest among the groups gnomAD compares: Non-Finnish European, 0.000085%; no homozygotes.

Submission:

Labcorp Genetics (formerly Invitae), Labcorp
Classification: Uncertain significance for DOCK2 deficiency. Last evaluated: 2021-07-21. Review status: criteria provided, single submitter. Criteria: Invitae Variant Classification Sherloc (09022015). Collection method: clinical testing. Allele origin: germline.
Comment: This variant is not present in population databases (ExAC no frequency). This sequence change replaces alanine with serine at codon 1460 of the DOCK2 protein (p.Ala1460Ser). The alanine residue is moderately conserved and there is a moderate physicochemical difference between alanine and serine. This variant has not been reported in the literature in individuals with DOCK2-related conditions. In summary, the available evidence is currently insufficient to determine the role of this variant in disease. Therefore, it has been classified as a Variant of Uncertain Significance. Algorithms developed to predict the effect of missense changes on protein structure and function (SIFT, PolyPhen-2, Align-GVGD) all suggest that this variant is likely to be tolerated, but these predictions have not been confirmed by published functional studies and their clinical significance is uncertain.